The following is an entry in ClinVar:

ClinVar aggregate classification (germline): Uncertain significance (1 of 4 stars; one submission).

Conditions:
Cardiovascular phenotype. Identifiers: MedGen CN230736.

Allele frequency attached by ClinVar (database versions not stated): gnomAD exomes below 0.00001; ExAC 0.00012.
gnomAD v4.1: 1 of 1,497,946 alleles (0.000067%); highest among the groups gnomAD compares: Non-Finnish European, 0.000089%; no homozygotes.

Submission:

Ambry Genetics
Classification: Uncertain significance for Cardiovascular phenotype. Last evaluated: 2019-11-11. Review status: criteria provided, single submitter. Criteria: Ambry Variant Classification Scheme 2023. Collection method: clinical testing. Allele origin: germline.
Comment: The p.P58L variant (also known as c.173C>T), located in coding exon 1 of the HCN4 gene, results from a C to T substitution at nucleotide position 173. The proline at codon 58 is replaced by leucine, an amino acid with similar properties. This amino acid position is not well conserved in available vertebrate species. In addition, the in silico prediction for this alteration is inconclusive. Since supporting evidence is limited at this time, the clinical significance of this alteration remains unclear.

NM_005477.3(HCN4):c.173C>T (p.Pro58Leu)

Gene: HCN4 (hyperpolarization activated cyclic nucleotide gated potassium channel 4; minus strand). Cytogenetic location: 15q24.1.
Variant type: single nucleotide variant.
Coding change: c.173C>T on transcript NM_005477.3 (MANE Select); coding-DNA position 173, C replaced by T.
Protein change: p.Pro58Leu; replaces proline 58 with leucine.
Molecular consequence: missense variant.
Genome position (GRCh38, 1-based): chr15:73,368,098, G>A on the plus strand (C>T on the coding strand, the complement: HCN4 is on the minus strand). VCF-style: chr15-73368098-G-A. GRCh37 (hg19) VCF-style: chr15-73660439-G-A.
Other names: short protein forms P58L.
Identifiers: ClinVar variation 1779167 (VCV001779167.2), dbSNP rs766148703, ClinGen allele CA7649498.
Genomic context (GRCh38, chr15:73,368,098, plus strand): 5'-TCGCTGTCCGCTGCCCCGAGGGCCGAGCTCCGGGACTCCGTGCCACCCGCGGCCGCCGAG[G>A]GGGAGGGCGAGGGCAGTGGCCGCAGCCGGATGCTCCTGCGGCTGGGGTCTTGGCGGCCCC-3'
Protein context (NP_005468.1, residues 48-68): IRLRPLPSPS[Pro58Leu]SAAAGGTESR